The following is an entry in ClinVar:

ClinVar aggregate classification (germline): Uncertain significance. Review status: criteria provided, multiple submitters, no conflicts (2 of 4 stars). 2 submissions from 2 submitters: Uncertain significance (2). Last evaluated 2023-05-11.

Conditions:
Inborn genetic diseases. Identifiers: MedGen C0950123, MeSH D030342.

Allele frequency attached by ClinVar (database versions not stated): ExAC 0.00002; TOPMed 0.00002; gnomAD 0.00003; gnomAD exomes 0.00003.
gnomAD v4.1: 53 of 1,610,772 alleles (0.0033%); highest among the groups gnomAD compares: Non-Finnish European, 0.0041%; no homozygotes.

Submissions (2):

Labcorp Genetics (formerly Invitae), Labcorp
Classification: Uncertain significance. Last evaluated: 2023-05-11. Review status: criteria provided, single submitter. Criteria: Invitae Variant Classification Sherloc (09022015). Collection method: clinical testing. Allele origin: germline.
Comment: In summary, the available evidence is currently insufficient to determine the role of this variant in disease. Therefore, it has been classified as a Variant of Uncertain Significance. An algorithm developed to predict the effect of missense changes on protein structure and function (PolyPhen-2) suggests that this variant is likely to be disruptive. ClinVar contains an entry for this variant (Variation ID: 2406263). This variant has not been reported in the literature in individuals affected with AHDC1-related conditions. This variant is present in population databases (rs754657004, gnomAD 0.004%). This sequence change replaces arginine, which is basic and polar, with histidine, which is basic and polar, at codon 1529 of the AHDC1 protein (p.Arg1529His).

Ambry Genetics
Classification: Uncertain significance for Inborn genetic diseases. Last evaluated: 2021-02-22. Review status: criteria provided, single submitter. Criteria: Ambry Variant Classification Scheme 2023. Collection method: clinical testing. Allele origin: germline.
Comment: The c.4586G>A (p.R1529H) alteration is located in exon 6 (coding exon 1) of the AHDC1 gene. This alteration results from a G to A substitution at nucleotide position 4586, causing the arginine (R) at amino acid position 1529 to be replaced by a histidine (H). The p.R1529H alteration is predicted to be tolerated by in silico analysis. Based on insufficient or conflicting evidence, the clinical significance of this alteration remains unclear.

NM_001371928.1(AHDC1):c.4586G>A (p.Arg1529His)

Gene: AHDC1 (AT-hook DNA binding motif containing 1; minus strand). Cytogenetic location: 1p36.11.
Variant type: single nucleotide variant.
Coding change: c.4586G>A on transcript NM_001371928.1 (MANE Select); coding-DNA position 4586, G replaced by A.
Protein change: p.Arg1529His; replaces arginine 1529 with histidine.
Molecular consequence: missense variant.
Genome position (GRCh38, 1-based): chr1:27,547,530, C>T on the plus strand (G>A on the coding strand, the complement: AHDC1 is on the minus strand). VCF-style: chr1-27547530-C-T. GRCh37 (hg19) VCF-style: chr1-27874041-C-T.
Other names: c.4586G>A, p.Arg1529His (NM_001029882.3); c.542G>A, p.Arg181His (NM_015699.1); short protein forms R1529H, R181H.
Identifiers: ClinVar variation 2406263 (VCV002406263.5), dbSNP rs754657004, ClinGen allele CA715328.
Genomic context (GRCh38, chr1:27,547,530, plus strand): 5'-GACAGGGTCAAGTCACTAAGGAGTGGGCAGCCATAGCCAGCAGCGGCTGCAGCAGGGCCA[C>T]GGGGTGGGCCAGGGGGCCGGGCCATTTCCAGTGGCTCCTTGTCGGCCTTGGGCGTGGCTG-3'
Protein context (NP_001358857.1, residues 1519-1539): LEMARPPGPP[Arg1529His]GPAAAAAGYG